The following is an entry in ClinVar:

NM_006506.5(RASA2):c.1526TTC[1] (p.Leu510del)

Gene: RASA2 (RAS p21 protein activator 2; plus strand). Cytogenetic location: 3q23.
Variant type: Microsatellite.
Coding change: c.1526TTC[1] on transcript NM_006506.5 (MANE Select); one copy of the 3-base unit TTC starting at c.1526; the reference has two copies in a row; one copy, 3 bases deleted.
Protein change: p.Leu510del; deletes leucine 510.
Molecular consequence: inframe deletion.
Genome position (GRCh38, 1-based): chr3:141,577,045-141,577,047, TTC deleted; deleting any 3 consecutive bases within chr3:141,577,042-141,577,047 gives the same sequence; the position shown is the placement nearest the transcript's 3' end. VCF-style (leftmost placement, unchanged base first): chr3-141577041-TTTC-T. GRCh37 (hg19) VCF-style: chr3-141295883-TTTC-T.
Other names: c.1526TTC[1], p.Leu510del (NM_001303245.3, NM_001303246.3); short protein forms L510del.
Identifiers: ClinVar variation 2785551 (VCV002785551.3), dbSNP rs2478737906, ClinGen allele CA2739279274.

ClinVar aggregate classification (germline): Uncertain significance (1 of 4 stars; one submission).

Submission:

Labcorp Genetics (formerly Invitae), Labcorp
Classification: Uncertain significance. Last evaluated: 2023-11-21. Review status: criteria provided, single submitter. Criteria: Invitae Variant Classification Sherloc (09022015). Collection method: clinical testing. Allele origin: germline.
Comment: This variant, c.1529_1531del, results in the deletion of 1 amino acid(s) of the RASA2 protein (p.Leu510del), but otherwise preserves the integrity of the reading frame. This variant is not present in population databases (gnomAD no frequency). This variant has not been reported in the literature in individuals affected with RASA2-related conditions. Experimental studies and prediction algorithms are not available or were not evaluated, and the functional significance of this variant is currently unknown. In summary, the available evidence is currently insufficient to determine the role of this variant in disease. Therefore, it has been classified as a Variant of Uncertain Significance.